The following is an entry in ClinVar:

ClinVar aggregate classification (germline): Uncertain significance. Review status: criteria provided, multiple submitters, no conflicts (2 of 4 stars). 3 submissions from 3 submitters: Uncertain significance (3). Last evaluated 2026-02-22.

Conditions:
Cardiovascular phenotype. Identifiers: MedGen CN230736.
Hypertrophic cardiomyopathy 12. Identifiers: MedGen C2677491, MONDO:0012804, OMIM 612124.
Dilated cardiomyopathy 1M (CMD1M). Identifiers: Orphanet 154, MedGen C1843808, MONDO:0011840, OMIM 607482.

Allele frequency attached by ClinVar (database versions not stated): gnomAD exomes below 0.00001 and 0.00001.
gnomAD v4.1: 8 of 1,614,164 alleles (0.0005%); highest among the groups gnomAD compares: Non-Finnish European, 0.00068%; no homozygotes.

Submissions (3):

Ambry Genetics
Classification: Uncertain significance for Cardiovascular phenotype. Last evaluated: 2026-02-22. Review status: criteria provided, single submitter. Criteria: Ambry Variant Classification Scheme 2023. Collection method: clinical testing. Allele origin: germline.
Comment: The p.K9T variant (also known as c.26A>C), located in coding exon 1 of the CSRP3 gene, results from an A to C substitution at nucleotide position 26. The lysine at codon 9 is replaced by threonine, an amino acid with similar properties. This amino acid position is conserved. In addition, this alteration is predicted to be tolerated by in silico analysis. Based on the available evidence, the clinical significance of this variant remains unclear.

Labcorp Genetics (formerly Invitae), Labcorp
Classification: Uncertain significance for Hypertrophic cardiomyopathy 12; Dilated cardiomyopathy 1M. Last evaluated: 2025-11-10. Review status: criteria provided, single submitter. Criteria: Invitae Variant Classification Sherloc (09022015). Collection method: clinical testing. Allele origin: germline.
Comment: This sequence change replaces lysine, which is basic and polar, with threonine, which is neutral and polar, at codon 9 of the CSRP3 protein (p.Lys9Thr). This variant is not present in population databases (gnomAD no frequency). This variant has not been reported in the literature in individuals affected with CSRP3-related conditions. ClinVar contains an entry for this variant (Variation ID: 476572). An algorithm developed to predict the effect of missense changes on protein structure and function (PolyPhen-2) suggests that this variant is likely to be tolerated. In summary, the available evidence is currently insufficient to determine the role of this variant in disease. Therefore, it has been classified as a Variant of Uncertain Significance.

GeneDx
Classification: Uncertain significance. Last evaluated: 2023-03-10. Review status: criteria provided, single submitter. Criteria: GeneDx Variant Classification Process June 2021. Collection method: clinical testing. Allele origin: germline. Affected: yes.
Comment: Has not been previously published as pathogenic or benign to our knowledge; Not observed at significant frequency in large population cohorts (gnomAD); In silico analysis supports that this missense variant has a deleterious effect on protein structure/function

NM_003476.5(CSRP3):c.26A>C (p.Lys9Thr)

Gene: CSRP3 (cysteine and glycine rich protein 3; minus strand). Cytogenetic location: 11p15.1.
Variant type: single nucleotide variant.
Coding change: c.26A>C on transcript NM_003476.5 (MANE Select); coding-DNA position 26, A replaced by C.
Protein change: p.Lys9Thr; replaces lysine 9 with threonine.
Molecular consequence: missense variant.
Genome position (GRCh38, 1-based): chr11:19,192,423, T>G on the plus strand (A>C on the coding strand, the complement: CSRP3 is on the minus strand). VCF-style: chr11-19192423-T-G. GRCh37 (hg19) VCF-style: chr11-19213970-T-G.
Other names: c.26A>C, p.Lys9Thr (NM_001369404.1); c.26A>C (NM_003476.3); short protein forms K9T.
Identifiers: ClinVar variation 476572 (VCV000476572.5), dbSNP rs1352827887, ClinGen allele CA379888660.